The following is an entry in ClinVar:

ClinVar aggregate classification (germline): Uncertain significance. Review status: criteria provided, multiple submitters, no conflicts (2 of 4 stars). 3 submissions from 3 submitters: Uncertain significance (3). Last evaluated 2023-02-20.

Conditions:
Hereditary cancer-predisposing syndrome. Also called: Neoplastic Syndromes, Hereditary; Tumor predisposition; Hereditary neoplastic syndrome; Hereditary Cancer Syndrome. Identifiers: Orphanet 140162, MedGen C0027672, MeSH D009386, MONDO:0015356.
Hereditary breast ovarian cancer syndrome. Also called: Hereditary breast and ovarian cancer syndrome; Hereditary breast and ovarian cancer; Hereditary breast and ovarian cancer syndrome (HBOC); Breast and ovarian cancer; Hereditary breast and/or ovarian cancer syndrome; BRCA1- and BRCA2-Associated Hereditary Breast and Ovarian Cancer. Identifiers: Orphanet 145, MedGen C0677776, MeSH D061325, MONDO:0003582. Disease mechanism: loss of function.

Allele frequency attached by ClinVar (database versions not stated): gnomAD exomes below 0.00001; ExAC 0.00001.
gnomAD v4.1: 1 of 1,613,650 alleles (0.000062%); highest among the groups gnomAD compares: Non-Finnish European, 0.000085%; no homozygotes.

Submissions (3):

Labcorp Genetics (formerly Invitae), Labcorp
Classification: Uncertain significance for Hereditary breast ovarian cancer syndrome. Last evaluated: 2023-02-20. Review status: criteria provided, single submitter. Criteria: Invitae Variant Classification Sherloc (09022015). Collection method: clinical testing. Allele origin: germline.
Comment: In summary, the available evidence is currently insufficient to determine the role of this variant in disease. Therefore, it has been classified as a Variant of Uncertain Significance. Advanced modeling of protein sequence and biophysical properties (such as structural, functional, and spatial information, amino acid conservation, physicochemical variation, residue mobility, and thermodynamic stability) performed at Invitae indicates that this missense variant is not expected to disrupt BRCA2 protein function. ClinVar contains an entry for this variant (Variation ID: 628582). This variant has not been reported in the literature in individuals affected with BRCA2-related conditions. This variant is present in population databases (rs756057155, gnomAD 0.0009%). This sequence change replaces arginine, which is basic and polar, with threonine, which is neutral and polar, at codon 2424 of the BRCA2 protein (p.Arg2424Thr).

GeneDx
Classification: Uncertain significance. Last evaluated: 2021-06-21. Review status: criteria provided, single submitter. Criteria: GeneDx Variant Classification Process June 2021. Collection method: clinical testing. Allele origin: germline. Affected: yes.
Comment: Not observed at significant frequency in large population cohorts (Lek et al., 2016); In silico analysis supports that this missense variant does not alter protein structure/function; Has not been previously published as pathogenic or benign to our knowledge; Also known as 7499G>C; This variant is associated with the following publications: (PMID: 27535533)

Color Diagnostics, LLC DBA Color Health
Classification: Uncertain significance for Hereditary cancer-predisposing syndrome. Last evaluated: 2019-06-08. Review status: criteria provided, single submitter. Criteria: ACMG Guidelines, 2015. Collection method: clinical testing. Allele origin: germline.

NM_000059.4(BRCA2):c.7271G>C (p.Arg2424Thr)

Gene: BRCA2 (BRCA2 DNA repair associated; plus strand). Cytogenetic location: 13q13.1.
Variant type: single nucleotide variant.
Coding change: c.7271G>C on transcript NM_000059.4 (MANE Select); coding-DNA position 7271, G replaced by C.
Protein change: p.Arg2424Thr; replaces arginine 2424 with threonine.
Molecular consequence: missense variant.
Genome position (GRCh38, 1-based): chr13:32,355,124, G>C. VCF-style: chr13-32355124-G-C. GRCh37 (hg19) VCF-style: chr13-32929261-G-C.
Other names: short protein forms R2424T.
Identifiers: ClinVar variation 628582 (VCV000628582.8), dbSNP rs756057155, ClinGen allele CA6941076.